The following is an entry in ClinVar:

NM_001326411.2(PISD):c.482A>T (p.His161Leu)

Gene: PISD (phosphatidylserine decarboxylase; minus strand). Cytogenetic location: 22q12.2.
Variant type: single nucleotide variant.
Coding change: c.482A>T on transcript NM_001326411.2 (MANE Select); coding-DNA position 482, A replaced by T.
Protein change: p.His161Leu; replaces histidine 161 with leucine.
Molecular consequence: missense variant.
Genome position (GRCh38, 1-based): chr22:31,621,725, T>A on the plus strand (A>T on the coding strand, the complement: PISD is on the minus strand). VCF-style: chr22-31621725-T-A. GRCh37 (hg19) VCF-style: chr22-32017711-T-A.
Other names: c.419A>T, p.His140Leu (NM_001326412.1, NM_001326413.2, NM_001326414.2); c.380A>T, p.His127Leu (NM_001326415.2, NM_001326416.2, NM_001326417.2 and 3 more transcripts); c.302A>T, p.His101Leu (NM_001326418.2, NM_001326420.2); c.482A>T, p.His161Leu (NM_001326421.1); short protein forms H101L, H127L, H140L, H161L.
Identifiers: ClinVar variation 1350499 (VCV001350499.6), dbSNP rs2072591867, ClinGen allele CA411288655.

ClinVar aggregate classification (germline): Uncertain significance. Review status: criteria provided, multiple submitters, no conflicts (2 of 4 stars). 2 submissions from 2 submitters: Uncertain significance (2). Last evaluated 2021-11-04.

Allele frequency attached by ClinVar (database versions not stated): gnomAD exomes below 0.00001; gnomAD 0.00001; TOPMed 0.00002.
gnomAD v4.1: 3 of 1,613,994 alleles (0.00019%); highest among the groups gnomAD compares: African/African-American, 0.004%; no homozygotes.

Submissions (2):

Labcorp Genetics (formerly Invitae), Labcorp
Classification: Uncertain significance. Last evaluated: 2021-11-04. Review status: criteria provided, single submitter. Criteria: Invitae Variant Classification Sherloc (09022015). Collection method: clinical testing. Allele origin: germline.
Comment: In summary, the available evidence is currently insufficient to determine the role of this variant in disease. Therefore, it has been classified as a Variant of Uncertain Significance. This sequence change replaces histidine, which is basic and polar, with leucine, which is neutral and non-polar, at codon 161 of the PISD protein (p.His161Leu). This variant is not present in population databases (gnomAD no frequency). This variant has not been reported in the literature in individuals affected with PISD-related conditions. Algorithms developed to predict the effect of missense changes on protein structure and function are either unavailable or do not agree on the potential impact of this missense change (SIFT: "Not Available"; PolyPhen-2: "Benign"; Align-GVGD: "Not Available").

Breakthrough Genomics
Classification: Uncertain significance. Review status: criteria provided, single submitter. Criteria: ACMG Guidelines, 2015. Collection method: not provided. Allele origin: germline. Inheritance: Autosomal dominant inheritance. Affected: yes.